The following is an entry in ClinVar:

NM_002472.3(MYH8):c.4962+7G>A

Genes: MYH8 (myosin heavy chain 8; minus strand), MYHAS (myosin heavy chain gene cluster antisense RNA; plus strand). Cytogenetic location: 17p13.1.
Variant type: single nucleotide variant.
Coding change: c.4962+7G>A on transcript NM_002472.3 (MANE Select); 7 bases into the intron after coding-DNA position 4962, G replaced by A.
Molecular consequence: intron variant.
Genome position (GRCh38, 1-based): chr17:10,395,126, C>T on the plus strand (G>A on the coding strand, the complement: MYH8 is on the minus strand). VCF-style: chr17-10395126-C-T. GRCh37 (hg19) VCF-style: chr17-10298443-C-T.
Identifiers: ClinVar variation 3047403 (VCV003047403.2), dbSNP rs770966811, ClinGen allele CA8387176.

ClinVar aggregate classification (germline): Likely benign (0 of 4 stars; one submission).

Conditions:
MYH8-related disorder. Also called: MYH8-related condition.

Allele frequency attached by ClinVar (database versions not stated): gnomAD 0.00001; gnomAD exomes 0.00001; ExAC 0.00002; TOPMed 0.00003.
gnomAD v4.1: 19 of 1,612,648 alleles (0.0012%); highest among the groups gnomAD compares: East Asian, 0.0089%; no homozygotes.

Submission:

PreventionGenetics, part of Exact Sciences
Classification: Likely benign for MYH8-related condition. Last evaluated: 2019-03-14. Review status: no assertion criteria provided. Collection method: clinical testing. Allele origin: germline.
Comment: This variant is classified as likely benign based on ACMG/AMP sequence variant interpretation guidelines (Richards et al. 2015 PMID: 25741868, with internal and published modifications).